The following is an entry in ClinVar:

ClinVar aggregate classification (germline): Uncertain significance. Review status: criteria provided, multiple submitters, no conflicts (2 of 4 stars). 2 submissions from 2 submitters: Uncertain significance (2). Last evaluated 2025-09-25.

Conditions:
Inborn genetic diseases. Identifiers: MedGen C0950123, MeSH D030342.

Allele frequency attached by ClinVar (database versions not stated): ESP Exome Variant Server 0.00054; 1000 Genomes Project 0.00020; 1000 Genomes Project 30x 0.00031.
gnomAD v4.1: 29 of 1,614,248 alleles (0.0018%); highest among the groups gnomAD compares: African/African-American, 0.025%; no homozygotes.

Submissions (2):

Ambry Genetics
Classification: Uncertain significance for Inborn genetic diseases. Last evaluated: 2025-09-25. Review status: criteria provided, single submitter. Criteria: Ambry Variant Classification Scheme 2023. Collection method: clinical testing. Allele origin: germline.

Labcorp Genetics (formerly Invitae), Labcorp
Classification: Uncertain significance. Last evaluated: 2023-04-05. Review status: criteria provided, single submitter. Criteria: Invitae Variant Classification Sherloc (09022015). Collection method: clinical testing. Allele origin: germline.
Comment: This sequence change replaces isoleucine, which is neutral and non-polar, with valine, which is neutral and non-polar, at codon 3048 of the DNAH9 protein (p.Ile3048Val). This variant is present in population databases (rs143518417, gnomAD 0.05%). This variant has not been reported in the literature in individuals affected with DNAH9-related conditions. ClinVar contains an entry for this variant (Variation ID: 2067570). Advanced modeling of protein sequence and biophysical properties (such as structural, functional, and spatial information, amino acid conservation, physicochemical variation, residue mobility, and thermodynamic stability) performed at Invitae indicates that this missense variant is expected to disrupt DNAH9 protein function. In summary, the available evidence is currently insufficient to determine the role of this variant in disease. Therefore, it has been classified as a Variant of Uncertain Significance.

NM_001372.4(DNAH9):c.9142A>G (p.Ile3048Val)

Gene: DNAH9 (dynein axonemal heavy chain 9; plus strand). Cytogenetic location: 17p12.
Variant type: single nucleotide variant.
Coding change: c.9142A>G on transcript NM_001372.4 (MANE Select); coding-DNA position 9142, A replaced by G.
Protein change: p.Ile3048Val; replaces isoleucine 3048 with valine.
Molecular consequence: missense variant.
Genome position (GRCh38, 1-based): chr17:11,822,930, A>G. VCF-style: chr17-11822930-A-G. GRCh37 (hg19) VCF-style: chr17-11726247-A-G.
Other names: c.9142A>G (NM_001372.3); short protein forms I3048V.
Identifiers: ClinVar variation 2067570 (VCV002067570.5), dbSNP rs143518417, ClinGen allele CA8397145.